The following is an entry in ClinVar:

ClinVar aggregate classification (germline): Uncertain significance (1 of 4 stars; one submission).

Allele frequency attached by ClinVar (database versions not stated): gnomAD exomes below 0.00001.
gnomAD v4.1: 2 of 1,614,158 alleles (0.00012%); highest among the groups gnomAD compares: Non-Finnish European, 0.00017%; no homozygotes.

Submission:

Labcorp Genetics (formerly Invitae), Labcorp
Classification: Uncertain significance. Last evaluated: 2023-03-14. Review status: criteria provided, single submitter. Criteria: Invitae Variant Classification Sherloc (09022015). Collection method: clinical testing. Allele origin: germline.
Comment: In summary, the available evidence is currently insufficient to determine the role of this variant in disease. Therefore, it has been classified as a Variant of Uncertain Significance. Advanced modeling of protein sequence and biophysical properties (such as structural, functional, and spatial information, amino acid conservation, physicochemical variation, residue mobility, and thermodynamic stability) performed at Invitae indicates that this missense variant is not expected to disrupt FECH protein function. This variant has not been reported in the literature in individuals affected with FECH-related conditions. This variant is not present in population databases (gnomAD no frequency). This sequence change replaces asparagine, which is neutral and polar, with lysine, which is basic and polar, at codon 295 of the FECH protein (p.Asn295Lys).

NM_000140.5(FECH):c.885C>A (p.Asn295Lys)

Gene: FECH (ferrochelatase; minus strand). Cytogenetic location: 18q21.31.
Variant type: single nucleotide variant.
Coding change: c.885C>A on transcript NM_000140.5 (MANE Select); coding-DNA position 885, C replaced by A.
Protein change: p.Asn295Lys; replaces asparagine 295 with lysine.
Molecular consequence: missense variant.
Genome position (GRCh38, 1-based): chr18:57,554,872, G>T on the plus strand (C>A on the coding strand, the complement: FECH is on the minus strand). VCF-style: chr18-57554872-G-T. GRCh37 (hg19) VCF-style: chr18-55222104-G-T.
Other names: c.903C>A, p.Asn301Lys (NM_001012515.4); c.786C>A, p.Asn262Lys (NM_001371094.1); c.669C>A, p.Asn223Lys (NM_001371095.1); c.885C>A, p.Asn295Lys (NM_001374778.1); short protein forms N223K, N262K, N295K, N301K.
Identifiers: ClinVar variation 2870081 (VCV002870081.3), dbSNP rs558826367, ClinGen allele CA402541150.